The following is an entry in ClinVar:

NM_001320752.2(STS):c.1212G>C (p.Lys404Asn)

Gene: STS (steroid sulfatase; plus strand). Cytogenetic location: Xp22.31.
Variant type: single nucleotide variant.
Coding change: c.1212G>C on transcript NM_001320752.2 (MANE Select); coding-DNA position 1212, G replaced by C.
Protein change: p.Lys404Asn; replaces lysine 404 with asparagine.
Molecular consequence: missense variant.
Genome position (GRCh38, 1-based): chrX:7,325,469, G>C. VCF-style: chrX-7325469-G-C. GRCh37 (hg19) VCF-style: chrX-7243510-G-C.
Other names: c.1212G>C, p.Lys404Asn (NM_000351.7, NM_001320753.2, NM_001320754.2); c.1248G>C, p.Lys416Asn (NM_001320750.3, NM_001320751.2); short protein forms K404N, K416N.
Identifiers: ClinVar variation 1214357 (VCV001214357.6), dbSNP rs147789328, ClinGen allele CA10342129.
Genomic context (GRCh38, chrX:7,325,469, plus strand): 5'-GGCTGGCCAGAAGATTGATGAGCCCACTAGCAACATGGACATATTTCCTACAGTAGCCAA[G>C]CTGGCTGGAGCTCCCTTGCCTGAGGACAGGTACTCTGATGCCAGGGTGGTTGGTATTGTT-3'
Protein context (NP_001307681.2, residues 394-414): SNMDIFPTVA[Lys404Asn]LAGAPLPEDR

ClinVar aggregate classification (germline): Benign/Likely benign. Review status: criteria provided, multiple submitters, no conflicts (2 of 4 stars). 3 submissions from 3 submitters: Benign (1); Likely benign (2). Last evaluated 2026-08-01.

Allele frequency attached by ClinVar (database versions not stated): 1000 Genomes Project 30x 0.00042; 1000 Genomes Project 0.00053; gnomAD 0.00119; ESP Exome Variant Server 0.00133.
gnomAD v4.1: 311 of 1,209,540 alleles (0.026%); highest among the groups gnomAD compares: African/African-American, 0.42%; 1 homozygote.

Submissions (3):

CeGaT Center for Human Genetics Tuebingen
Classification: Likely benign. Last evaluated: 2026-08-01. Review status: criteria provided, single submitter. Criteria: CeGaT Center For Human Genetics Tuebingen Variant Classification Criteria Version 2. Collection method: clinical testing. Allele origin: germline. Affected: yes. Observed: 1 variant allele.
Comment: STS: BS2

Labcorp Genetics (formerly Invitae), Labcorp
Classification: Benign. Last evaluated: 2024-02-14. Review status: criteria provided, single submitter. Criteria: Invitae Variant Classification Sherloc (09022015). Collection method: clinical testing. Allele origin: germline.

GeneDx
Classification: Likely benign. Last evaluated: 2021-08-09. Review status: criteria provided, single submitter. Criteria: GeneDx Variant Classification Process June 2021. Collection method: clinical testing. Allele origin: germline. Affected: yes.